The following is an entry in ClinVar:

NM_005751.5(AKAP9):c.5058+1G>A

Genes: AKAP9 (A-kinase anchoring protein 9; plus strand), LOC121175350 (Sharpr-MPRA regulatory region 2641; plus strand). Cytogenetic location: 7q21.2.
Variant type: single nucleotide variant.
Coding change: c.5058+1G>A on transcript NM_005751.5 (MANE Select); the canonical splice donor site of the intron after coding-DNA position 5058, G replaced by A.
Molecular consequence: splice donor variant.
Genome position (GRCh38, 1-based): chr7:92,042,187, G>A. VCF-style: chr7-92042187-G-A. GRCh37 (hg19) VCF-style: chr7-91671501-G-A.
Other names: c.5058+1G>A (NM_147185.3).
Identifiers: ClinVar variation 3849163 (VCV003849163.1).

ClinVar aggregate classification (germline): Uncertain significance (1 of 4 stars; one submission).

Conditions:
Cardiovascular phenotype. Identifiers: MedGen CN230736.

Submission:

Ambry Genetics
Classification: Uncertain significance for Cardiovascular phenotype. Last evaluated: 2024-12-14. Review status: criteria provided, single submitter. Criteria: Ambry Variant Classification Scheme 2023. Collection method: clinical testing. Allele origin: germline.
Comment: The c.5058+1G>A intronic variant results from a G to A substitution one nucleotide after coding exon 19 of the AKAP9 gene. This nucleotide position is highly conserved in available vertebrate species. In silico splice site analysis predicts that this alteration will weaken the native splice donor site and may result in the creation or strengthening of a novel splice donor site. Alterations that disrupt the canonical splice site are expected to cause aberrant splicing, resulting in an abnormal protein or a transcript that is subject to nonsense-mediated mRNA decay. However, loss of function of AKAP9 has not been established as a mechanism of disease. The evidence for this gene-disease relationship is limited; therefore, the clinical significance of this alteration is unclear.